The following is an entry in ClinVar:

NM_144596.4(TTC8):c.-40C>A

Gene: TTC8 (tetratricopeptide repeat domain 8; plus strand). Cytogenetic location: 14q31.3.
Variant type: single nucleotide variant.
Coding change: c.-40C>A on transcript NM_144596.4 (MANE Select); 40 bases upstream of the start codon, C replaced by A.
Molecular consequence: 5 prime UTR variant. On other transcripts: non-coding transcript variant (1).
Genome position (GRCh38, 1-based): chr14:88,824,668, C>A. VCF-style: chr14-88824668-C-A. GRCh37 (hg19) VCF-style: chr14-89291012-C-A.
Other names: c.-40C>A (NM_001288781.1, NM_001366535.2, NM_001366536.2 and 2 more transcripts); c.-602C>A (NM_001288782.1); c.-697C>A (NM_001288783.1).
Identifiers: ClinVar variation 3358840 (VCV003358840.1).

ClinVar aggregate classification (germline): Likely benign (0 of 4 stars; one submission).

Conditions:
TTC8-related disorder. Also called: TTC8-related condition.

gnomAD v4.1: 95 of 1,535,194 alleles (0.0062%); highest among the groups gnomAD compares: Middle Eastern, 0.042%; no homozygotes.

Submission:

PreventionGenetics, part of Exact Sciences
Classification: Likely benign for TTC8-related condition. Last evaluated: 2024-06-28. Review status: no assertion criteria provided. Collection method: clinical testing. Allele origin: germline.
Comment: This variant is classified as likely benign based on ACMG/AMP sequence variant interpretation guidelines (Richards et al. 2015 PMID: 25741868, with internal and published modifications).